The following is an entry in ClinVar:

NM_002863.5(PYGL):c.607T>G (p.Phe203Val)

Gene: PYGL (glycogen phosphorylase L; minus strand). Cytogenetic location: 14q22.1.
Variant type: single nucleotide variant.
Coding change: c.607T>G on transcript NM_002863.5 (MANE Select); coding-DNA position 607, T replaced by G.
Protein change: p.Phe203Val; replaces phenylalanine 203 with valine.
Molecular consequence: missense variant.
Genome position (GRCh38, 1-based): chr14:50,924,022, A>C on the plus strand (T>G on the coding strand, the complement: PYGL is on the minus strand). VCF-style: chr14-50924022-A-C. GRCh37 (hg19) VCF-style: chr14-51390740-A-C.
Other names: c.505T>G, p.Phe169Val (NM_001163940.2); short protein forms F169V, F203V.
Identifiers: ClinVar variation 1517588 (VCV001517588.8), dbSNP rs1345778137, ClinGen allele CA389693185.

ClinVar aggregate classification (germline): Uncertain significance (1 of 4 stars; one submission).

Conditions:
Glycogen storage disease, type VI (GSD6). Also called: Glycogen storage disease type 6; Hepatic glycogen phosphorylase deficiency; Glycogen storage disease type 6, due to phosphorylation; GSD VI; HERS DISEASE; PHOSPHORYLASE DEFICIENCY GLYCOGEN-STORAGE DISEASE OF LIVER. Identifiers: Orphanet 369, MedGen C0017925, MONDO:0009294, OMIM 232700.

Submission:

Labcorp Genetics (formerly Invitae), Labcorp
Classification: Uncertain significance for Glycogen storage disease, type VI. Last evaluated: 2021-04-16. Review status: criteria provided, single submitter. Criteria: Invitae Variant Classification Sherloc (09022015). Collection method: clinical testing. Allele origin: germline.
Comment: This variant is not present in population databases (ExAC no frequency). This sequence change replaces phenylalanine with valine at codon 203 of the PYGL protein (p.Phe203Val). The phenylalanine residue is highly conserved and there is a small physicochemical difference between phenylalanine and valine. This variant has not been reported in the literature in individuals with PYGL-related conditions. Advanced modeling of protein sequence and biophysical properties (such as structural, functional, and spatial information, amino acid conservation, physicochemical variation, residue mobility, and thermodynamic stability) performed at Invitae indicates that this missense variant is not expected to disrupt PYGL protein function. In summary, the available evidence is currently insufficient to determine the role of this variant in disease. Therefore, it has been classified as a Variant of Uncertain Significance.